The following is an entry in ClinVar:

NM_052989.3(IFT122):c.3056A>G (p.Tyr1019Cys)

Gene: IFT122 (intraflagellar transport 122; plus strand). Cytogenetic location: 3q22.1.
Variant type: single nucleotide variant.
Coding change: c.3056A>G on transcript NM_052989.3 (MANE Select); coding-DNA position 3056, A replaced by G.
Protein change: p.Tyr1019Cys; replaces tyrosine 1019 with cysteine.
Molecular consequence: missense variant.
Genome position (GRCh38, 1-based): chr3:129,514,457, A>G. VCF-style: chr3-129514457-A-G. GRCh37 (hg19) VCF-style: chr3-129233300-A-G.
Other names: c.3035A>G, p.Tyr1012Cys (NM_001280541.2); c.2606A>G, p.Tyr869Cys (NM_001280545.2); c.2429A>G, p.Tyr810Cys (NM_001280546.2); c.2879A>G, p.Tyr960Cys (NM_018262.4); c.3209A>G, p.Tyr1070Cys (NM_052985.4); c.2726A>G, p.Tyr909Cys (NM_052990.3); short protein forms Y810C, Y869C, Y1070C, Y960C, Y1012C, Y1019C, Y909C.
Identifiers: ClinVar variation 900331 (VCV000900331.12), dbSNP rs553449191, ClinGen allele CA2606770.

ClinVar aggregate classification (germline): Uncertain significance. Review status: criteria provided, multiple submitters, no conflicts (2 of 4 stars). 4 submissions from 4 submitters: Uncertain significance (4). Last evaluated 2022-03-01.

Conditions:
Cranioectodermal dysplasia 1 (CED1). Also called: LEVIN SYNDROME I. Identifiers: Orphanet 1515, MedGen C0432235, MONDO:0021093, OMIM 218330.

Allele frequency attached by ClinVar (database versions not stated): ExAC 0.00004; gnomAD 0.00004 and 0.00006; gnomAD exomes 0.00004 and 0.00006; TOPMed 0.00005; 1000 Genomes Project 30x 0.00016; 1000 Genomes Project 0.00020.
gnomAD v4.1: 93 of 1,614,198 alleles (0.0058%); highest among the groups gnomAD compares: Non-Finnish European, 0.0069%; no homozygotes.

Submissions (4):

Fulgent Genetics
Classification: Uncertain significance for Cranioectodermal dysplasia 1. Last evaluated: 2022-03-01. Review status: criteria provided, single submitter. Criteria: ACMG Guidelines, 2015. Collection method: clinical testing. Allele origin: unknown.

Labcorp Genetics (formerly Invitae), Labcorp
Classification: Uncertain significance for Cranioectodermal dysplasia 1. Last evaluated: 2021-08-27. Review status: criteria provided, single submitter. Criteria: Invitae Variant Classification Sherloc (09022015). Collection method: clinical testing. Allele origin: germline.
Comment: This sequence change replaces tyrosine with cysteine at codon 1070 of the IFT122 protein (p.Tyr1070Cys). The tyrosine residue is moderately conserved and there is a large physicochemical difference between tyrosine and cysteine. This variant is present in population databases (rs553449191, ExAC 0.02%). This variant has not been reported in the literature in individuals affected with IFT122-related conditions. ClinVar contains an entry for this variant (Variation ID: 900331). Algorithms developed to predict the effect of missense changes on protein structure and function (SIFT, PolyPhen-2, Align-GVGD) all suggest that this variant is likely to be tolerated. In summary, the available evidence is currently insufficient to determine the role of this variant in disease. Therefore, it has been classified as a Variant of Uncertain Significance.

GeneDx
Classification: Uncertain significance. Last evaluated: 2019-12-13. Review status: criteria provided, single submitter. Criteria: GeneDx Variant Classification Process June 2021. Collection method: clinical testing. Allele origin: germline. Affected: yes.
Comment: In silico analysis, which includes protein predictors and evolutionary conservation, supports a deleterious effect; Has not been previously published as pathogenic or benign to our knowledge

Illumina Laboratory Services, Illumina
Classification: Uncertain significance for Cranioectodermal dysplasia 1. Last evaluated: 2018-01-13. Review status: criteria provided, single submitter. Criteria: ICSL Variant Classification Criteria 13 December 2019. Collection method: clinical testing. Allele origin: germline.